The following is an entry in ClinVar:

NC_000003.12:g.149246905_149249548del

Variant type: Deletion.
Genome position: GRCh38: chr3:149,246,905-149,249,548. GRCh37 (hg19): chr3:148,964,692-148,967,335.
Identifiers: ClinVar variation 156881 (VCV000156881.3), ClinGen allele CA212047.

ClinVar aggregate classification (germline): not provided (0 of 4 stars; one submission).

Conditions:
Preeclampsia. Identifiers: Orphanet 275555, MedGen C0032914, MONDO:0005081, HP:0100602.

Submission:

Institute of Molecular and Cell Biology, University of Tartu
No classification provided. Condition: Preeclampsia. Review status: no classification provided. Collection method: case-control. Allele origin: unknown. Affected: yes. Study: Kasak2014.
Comment: The study aimed to determine the contribution of copy number variants in the genetic etiology of normal and complicated pregnancies. The samples represented (i) maternal blood DNA drawn from healthy pregnant women during 1st or 2nd trimester and (ii) maternal and paternal blood DNA drawn at term pregnancy cases representing normal and complicated gestations (severe preeclampsia, PE; gestational diabetes, GD; small-for-gestational age newborn, SGA; large-for-gestational age newborn, LGA). We performed CNV calling based on genome-wide genotyping dataset (Illumina HumanOmniExpress-24-v1 BeadChip) by applying three algorithms, QuantiSNP, GADA (Genome Alteration Detection Algorithm) and CNstream in parallel. The acquired CNV calls were merged with HD-CNV (Hotspot Detector for Copy Number Variants) program and only the CNVs predicted by at least two programs, were considered in subsequent analysis.

Literature cited by the submitters: PubMed 25666259.